The following is an entry in ClinVar:

ClinVar aggregate classification (germline): Pathogenic (1 of 4 stars; one submission).

Conditions:
Mosaic variegated aneuploidy syndrome 1 (MVA1). Also called: Warburton-Anyane-Yeboa syndrome. Identifiers: Orphanet 1052, MedGen C1850343, MONDO:0009759, OMIM 257300.

Submission:

Labcorp Genetics (formerly Invitae), Labcorp
Classification: Pathogenic for Mosaic variegated aneuploidy syndrome 1. Last evaluated: 2020-04-16. Review status: criteria provided, single submitter. Criteria: Invitae Variant Classification Sherloc (09022015). Collection method: clinical testing. Allele origin: germline.
Comment: For these reasons, this variant has been classified as Pathogenic. Loss-of-function variants in BUB1B are known to be pathogenic (PMID: 15475955, 21190457). Algorithms developed to predict the effect of sequence changes on RNA splicing suggest that this variant may create or strengthen a splice site, but this prediction has not been confirmed by published transcriptional studies. This variant has not been reported in the literature in individuals with BUB1B-related conditions. This variant is not present in population databases (ExAC no frequency). This sequence change creates a premature translational stop signal (p.Gln309*) in the BUB1B gene. It is expected to result in an absent or disrupted protein product.

Literature cited by the submitters: PubMed 15475955; PubMed 21190457.

NM_001211.6(BUB1B):c.925C>T (p.Gln309Ter)

Gene: BUB1B (BUB1 mitotic checkpoint serine/threonine kinase B; plus strand). Cytogenetic location: 15q15.1.
Variant type: single nucleotide variant.
Coding change: c.925C>T on transcript NM_001211.6 (MANE Select); coding-DNA position 925, C replaced by T.
Protein change: p.Gln309Ter; replaces glutamine 309 with a stop codon.
Molecular consequence: nonsense.
Genome position (GRCh38, 1-based): chr15:40,185,338, C>T. VCF-style: chr15-40185338-C-T. GRCh37 (hg19) VCF-style: chr15-40477539-C-T.
Other names: short protein forms Q309*.
Identifiers: ClinVar variation 854842 (VCV000854842.7), dbSNP rs2037346846, ClinGen allele CA391684709.